The following is an entry in ClinVar:

ClinVar aggregate classification (germline): Uncertain significance (1 of 4 stars; one submission).

Conditions:
Ehlers-Danlos syndrome, type 4 (EDSVASC). Also called: Ehlers-Danlos Syndrome Type IV; Ehlers-Danlos syndrome vascular type; Ehlers Danlos syndrome, ecchymotic type; Ehlers Danlos syndrome, arterial type; Ehlers Danlos syndrome, Sack-Barabas type. Identifiers: Orphanet 286, MedGen C0268338, MONDO:0017314, OMIM 130050.

Allele frequency attached by ClinVar (database versions not stated): gnomAD exomes below 0.00001.
gnomAD v4.1: 2 of 1,613,772 alleles (0.00012%); highest among the groups gnomAD compares: African/African-American, 0.0013%; no homozygotes.

Submission:

All of Us Research Program, National Institutes of Health
Classification: Uncertain significance for Ehlers-Danlos syndrome, type 4. Last evaluated: 2023-12-13. Review status: criteria provided, single submitter. Criteria: ACMG Guidelines, 2015. Collection method: clinical testing. Allele origin: germline. Inheritance: Autosomal dominant inheritance. Observed: 1 variant allele, 1 heterozygote.
Comment: This missense variant replaces proline with leucine at codon 571 of the COL3A1 protein. Computational prediction is inconclusive regarding the impact of this variant on protein structure and function (internally defined REVEL score threshold 0.5 < inconclusive < 0.7, PMID: 27666373). To our knowledge, functional studies have not been reported for this variant. This variant has not been reported in individuals affected with COL3A1-related disorders in the literature. This variant has not been identified in the general population by the Genome Aggregation Database (gnomAD). The available evidence is insufficient to determine the role of this variant in disease conclusively. Therefore, this variant is classified as a Variant of Uncertain Significance.

This study involves interpretation of variants in research participants for the purpose of population health screening. Participant phenotype was not available at the time of variant classification. Additional details can be found in publication PMID: 35346344, PMCID: PMC8962531

NM_000090.4(COL3A1):c.1712C>T (p.Pro571Leu)

Gene: COL3A1 (collagen type III alpha 1 chain; plus strand). Cytogenetic location: 2q32.2.
Variant type: single nucleotide variant.
Coding change: c.1712C>T on transcript NM_000090.4 (MANE Select); coding-DNA position 1712, C replaced by T.
Protein change: p.Pro571Leu; replaces proline 571 with leucine.
Molecular consequence: missense variant.
Genome position (GRCh38, 1-based): chr2:188,996,447, C>T. VCF-style: chr2-188996447-C-T. GRCh37 (hg19) VCF-style: chr2-189861173-C-T.
Other names: short protein forms P571L.
Identifiers: ClinVar variation 3074890 (VCV003074890.1), dbSNP rs1688321100, ClinGen allele CA349852735.